The following is an entry in ClinVar:

NM_004187.5(KDM5C):c.3053A>G (p.Asn1018Ser)

Gene: KDM5C (lysine demethylase 5C; minus strand). Cytogenetic location: Xp11.22.
Variant type: single nucleotide variant.
Coding change: c.3053A>G on transcript NM_004187.5 (MANE Select); coding-DNA position 3053, A replaced by G.
Protein change: p.Asn1018Ser; replaces asparagine 1018 with serine.
Molecular consequence: missense variant. On other transcripts: non-coding transcript variant (3).
Genome position (GRCh38, 1-based): chrX:53,195,983, T>C on the plus strand (A>G on the coding strand, the complement: KDM5C is on the minus strand). VCF-style: chrX-53195983-T-C. GRCh37 (hg19) VCF-style: chrX-53225165-T-C.
Other names: NC_000023.10:g.53225165T>C; c.2852A>G, p.Asn951Ser (NM_001146702.2); c.3050A>G, p.Asn1017Ser (NM_001282622.3, NM_001353979.2, NM_001353982.2); c.3053A>G, p.Asn1018Ser (NM_001353978.3, NM_001353981.2, NM_001353984.2); short protein forms N1017S, N1018S, N951S.
Identifiers: ClinVar variation 2575673 (VCV002575673.3), dbSNP rs2146833423, ClinGen allele CA413111493.

ClinVar aggregate classification (germline): Uncertain significance (1 of 4 stars; one submission).

Allele frequency attached by ClinVar (database versions not stated): gnomAD exomes below 0.00001.
gnomAD v4.1: 1 of 1,211,282 alleles (0.000083%); highest among the groups gnomAD compares: Non-Finnish European, 0.00011%; no homozygotes.

Submissions (2):

GeneDx
Classification: Uncertain significance. Last evaluated: 2024-05-23. Review status: criteria provided, single submitter. Criteria: GeneDx Variant Classification Process June 2021. Collection method: clinical testing. Allele origin: germline. Affected: yes.
Comment: Not observed at significant frequency in large population cohorts (gnomAD); In silico analysis supports that this missense variant has a deleterious effect on protein structure/function; Has not been previously published as pathogenic or benign to our knowledge

Dr. Peter K. Rogan Lab, Western University
No classification provided (evidence only). Condition: Thyroid cancer, nonmedullary, 1. Review status: no classification provided. Collection method: in vitro. Allele origin: not applicable. Functional consequence: retained intron. Not counted in ClinVar's aggregate classification.